The following is an entry in ClinVar:

NM_000466.3(PEX1):c.1426A>G (p.Thr476Ala)

Gene: PEX1 (peroxisomal biogenesis factor 1; minus strand). Cytogenetic location: 7q21.2.
Variant type: single nucleotide variant.
Coding change: c.1426A>G on transcript NM_000466.3 (MANE Select); coding-DNA position 1426, A replaced by G.
Protein change: p.Thr476Ala; replaces threonine 476 with alanine.
Molecular consequence: missense variant.
Genome position (GRCh38, 1-based): chr7:92,511,637, T>C on the plus strand (A>G on the coding strand, the complement: PEX1 is on the minus strand). VCF-style: chr7-92511637-T-C. GRCh37 (hg19) VCF-style: chr7-92140951-T-C.
Other names: p.Thr476Ala; c.1426A>G, p.Thr476Ala (NM_001282677.2); c.802A>G, p.Thr268Ala (NM_001282678.2); short protein forms T268A, T476A.
Identifiers: ClinVar variation 3379776 (VCV003379776.1).

ClinVar aggregate classification (germline): Uncertain significance (1 of 4 stars; one submission).

Submission:

Mayo Clinic Laboratories, Mayo Clinic
Classification: Uncertain significance. Last evaluated: 2024-08-14. Review status: criteria provided, single submitter. Criteria: ACMG Guidelines, 2015. Collection method: clinical testing. Allele origin: germline. Observed: 1 variant allele.
Comment: PM2